The following is an entry in ClinVar:

ClinVar aggregate classification (germline): Uncertain significance. Review status: criteria provided, multiple submitters, no conflicts (2 of 4 stars). 3 submissions from 3 submitters: Uncertain significance (3). Last evaluated 2026-02-23.

Conditions:
FBXO38-related disorder. Also called: FBXO38-related condition.
Distal hereditary motor neuropathy type 2. Identifiers: Orphanet 139525, MedGen C3711384, MeSH C580044, MONDO:0015352.

Allele frequency attached by ClinVar (database versions not stated): ExAC 0.00001; gnomAD 0.00001; gnomAD exomes 0.00001; TOPMed 0.00001.
gnomAD v4.1: 23 of 1,613,864 alleles (0.0014%); highest among the groups gnomAD compares: Non-Finnish European, 0.0019%; no homozygotes.

Submissions (3):

PreventionGenetics, part of Exact Sciences
Classification: Uncertain significance for FBXO38-related condition. Last evaluated: 2026-02-23. Review status: criteria provided, single submitter. Criteria: ACMG Guidelines, 2015. Collection method: clinical testing. Allele origin: germline.
Comment: The FBXO38 c.1852G>A variant is predicted to result in the amino acid substitution p.Gly618Ser. To our knowledge, this variant has not been reported in the literature. This variant is reported in 0.0026% of alleles in individuals of European (non-Finnish) descent in gnomAD. At this time, the clinical significance of this variant is uncertain due to the absence of conclusive functional and genetic evidence.

Labcorp Genetics (formerly Invitae), Labcorp
Classification: Uncertain significance for Distal hereditary motor neuropathy type 2. Last evaluated: 2024-08-24. Review status: criteria provided, single submitter. Criteria: Invitae Variant Classification Sherloc (09022015). Collection method: clinical testing. Allele origin: germline.
Comment: This sequence change replaces glycine, which is neutral and non-polar, with serine, which is neutral and polar, at codon 618 of the FBXO38 protein (p.Gly618Ser). This variant is present in population databases (rs750086990, gnomAD 0.003%). This variant has not been reported in the literature in individuals affected with FBXO38-related conditions. ClinVar contains an entry for this variant (Variation ID: 1448278). Invitae Evidence Modeling of protein sequence and biophysical properties (such as structural, functional, and spatial information, amino acid conservation, physicochemical variation, residue mobility, and thermodynamic stability) indicates that this missense variant is not expected to disrupt FBXO38 protein function with a negative predictive value of 80%. In summary, the available evidence is currently insufficient to determine the role of this variant in disease. Therefore, it has been classified as a Variant of Uncertain Significance.

Ambry Genetics
Classification: Uncertain significance. Last evaluated: 2019-09-24. Review status: criteria provided, single submitter. Criteria: Ambry Variant Classification Scheme 2023. Collection method: clinical testing. Allele origin: germline.
Comment: The p.G618S variant (also known as c.1852G>A), located in coding exon 13 of the FBXO38 gene, results from a G to A substitution at nucleotide position 1852. The glycine at codon 618 is replaced by serine, an amino acid with similar properties. This amino acid position is not well conserved in available vertebrate species. In addition, this alteration is predicted to be tolerated by in silico analysis. Since supporting evidence is limited at this time, the clinical significance of this alteration remains unclear.

NM_205836.3(FBXO38):c.1852G>A (p.Gly618Ser)

Gene: FBXO38 (F-box protein 38; plus strand). Cytogenetic location: 5q32.
Variant type: single nucleotide variant.
Coding change: c.1852G>A on transcript NM_205836.3 (MANE Select); coding-DNA position 1852, G replaced by A.
Protein change: p.Gly618Ser; replaces glycine 618 with serine.
Molecular consequence: missense variant.
Genome position (GRCh38, 1-based): chr5:148,425,635, G>A. VCF-style: chr5-148425635-G-A. GRCh37 (hg19) VCF-style: chr5-147805198-G-A.
Other names: c.1852G>A, p.Gly618Ser (NM_001271723.2, NM_030793.5); c.1852G>A (NM_030793.4); short protein forms G618S.
Identifiers: ClinVar variation 1448278 (VCV001448278.11), dbSNP rs750086990, ClinGen allele CA3497396.